The following is an entry in ClinVar:

ClinVar aggregate classification (germline): Uncertain significance (1 of 4 stars; one submission).

Allele frequency attached by ClinVar (database versions not stated): gnomAD 0.00001; TOPMed 0.00001.
gnomAD v4.1: 3 of 1,613,612 alleles (0.00019%); highest among the groups gnomAD compares: African/African-American, 0.0027%; no homozygotes.

Submission:

Labcorp Genetics (formerly Invitae), Labcorp
Classification: Uncertain significance. Last evaluated: 2022-05-12. Review status: criteria provided, single submitter. Criteria: Invitae Variant Classification Sherloc (09022015). Collection method: clinical testing. Allele origin: germline.
Comment: This sequence change replaces arginine, which is basic and polar, with lysine, which is basic and polar, at codon 1582 of the DNAH9 protein (p.Arg1582Lys). This variant also falls at the last nucleotide of exon 21, which is part of the consensus splice site for this exon. This variant is not present in population databases (gnomAD no frequency). This variant has not been reported in the literature in individuals affected with DNAH9-related conditions. Algorithms developed to predict the effect of missense changes on protein structure and function are either unavailable or do not agree on the potential impact of this missense change (SIFT: "Deleterious"; PolyPhen-2: "Benign"; Align-GVGD: "Class C0"). Variants that disrupt the consensus splice site are a relatively common cause of aberrant splicing (PMID: 17576681, 9536098). Algorithms developed to predict the effect of sequence changes on RNA splicing suggest that this variant may disrupt the consensus splice site. In summary, the available evidence is currently insufficient to determine the role of this variant in disease. Therefore, it has been classified as a Variant of Uncertain Significance.

Literature cited by the submitters: PubMed 17576681; PubMed 9536098.

NM_001372.4(DNAH9):c.4745G>A (p.Arg1582Lys)

Gene: DNAH9 (dynein axonemal heavy chain 9; plus strand). Cytogenetic location: 17p12.
Variant type: single nucleotide variant.
Coding change: c.4745G>A on transcript NM_001372.4 (MANE Select); coding-DNA position 4745, G replaced by A.
Protein change: p.Arg1582Lys; replaces arginine 1582 with lysine.
Molecular consequence: missense variant.
Genome position (GRCh38, 1-based): chr17:11,693,998, G>A. VCF-style: chr17-11693998-G-A. GRCh37 (hg19) VCF-style: chr17-11597315-G-A.
Other names: short protein forms R1582K.
Identifiers: ClinVar variation 1976190 (VCV001976190.5), dbSNP rs1192006131, ClinGen allele CA398188599.
Genomic context (GRCh38, chr17:11,693,998, plus strand): 5'-ATGTAGTGCAAACCACCAACAAGCCAGGCCTGTATGAAAAGCTGGAGGATATTCAGGGCA[G>A]GTGAGGGTCCGCCCATTACCCCTTCTCTAATAAGAAGGCATCATTTCCTTTTCCCCATCG-3'
Protein context (NP_001363.2, residues 1572-1592): LYEKLEDIQG[Arg1582Lys]LCLCEKALAE